The following is an entry in ClinVar:

ClinVar aggregate classification (germline): Likely pathogenic. Review status: criteria provided, multiple submitters, no conflicts (2 of 4 stars). 2 submissions from 2 submitters: Likely pathogenic (2). Last evaluated 2024-04-19.

Conditions:
Fraser syndrome 2 (FRASRS2). Identifiers: MedGen C4540036, MONDO:0054738, OMIM 617666.
Isolated cryptophthalmia. Also called: Cryptophthalmos, unilateral or bilateral, isolated; ANKYLOBLEPHARON, SIMPLE. Identifiers: Orphanet 91396, MedGen C1852453, MONDO:0007410, OMIM 123570.
FREM2-related disorder. Also called: FREM2-related condition.

Allele frequency attached by ClinVar (database versions not stated): gnomAD exomes below 0.00001; gnomAD 0.00001; TOPMed 0.00001.

Submissions (2):

Fulgent Genetics
Classification: Likely pathogenic for Isolated cryptophthalmia; Fraser syndrome 2. Last evaluated: 2024-04-19. Review status: criteria provided, single submitter. Criteria: ACMG Guidelines, 2015. Collection method: clinical testing. Allele origin: germline.

PreventionGenetics, part of Exact Sciences
Classification: Likely pathogenic for FREM2-related condition. Last evaluated: 2022-12-28. Review status: criteria provided, single submitter. Criteria: ACMG Guidelines, 2015. Collection method: clinical testing. Allele origin: germline.
Comment: The FREM2 c.2149C>T variant is predicted to result in premature protein termination (p.Gln717*). To our knowledge, this variant has not been reported in the literature or in a large population database, indicating this variant is rare. Nonsense variants in FREM2 are expected to be pathogenic. This variant is interpreted as likely pathogenic.

NM_207361.6(FREM2):c.2149C>T (p.Gln717Ter)

Gene: FREM2 (FRAS1 related extracellular matrix 2; plus strand). Cytogenetic location: 13q13.3.
Variant type: single nucleotide variant.
Coding change: c.2149C>T on transcript NM_207361.6 (MANE Select); coding-DNA position 2149, C replaced by T.
Protein change: p.Gln717Ter; replaces glutamine 717 with a stop codon.
Molecular consequence: nonsense.
Genome position (GRCh38, 1-based): chr13:38,689,493, C>T. VCF-style: chr13-38689493-C-T. GRCh37 (hg19) VCF-style: chr13-39263630-C-T.
Other names: short protein forms Q717*.
Identifiers: ClinVar variation 2630027 (VCV002630027.2), dbSNP rs1219155526, ClinGen allele CA387888217.